The following is an entry in ClinVar:

ClinVar aggregate classification (germline): Uncertain significance. Review status: criteria provided, multiple submitters, no conflicts (2 of 4 stars). 3 submissions from 3 submitters: Uncertain significance (3). Last evaluated 2026-04-24.

Conditions:
Cardiovascular phenotype. Identifiers: MedGen CN230736.
Brugada syndrome 8 (BRGDA8). Identifiers: Orphanet 130, MedGen C2751083, MONDO:0013148, OMIM 613123.

Allele frequency attached by ClinVar (database versions not stated): gnomAD 0.00001; gnomAD exomes 0.00001; TOPMed 0.00001.

Submissions (3):

GeneDx
Classification: Uncertain significance. Last evaluated: 2026-04-24. Review status: criteria provided, single submitter. Criteria: GeneDx Variant Classification Process June 2021. Collection method: clinical testing. Allele origin: germline.
Comment: Not observed at significant frequency in large population cohorts (gnomAD); In silico analysis supports that this missense variant has a deleterious effect on protein structure/function; Has not been previously published as pathogenic or benign to our knowledge

Labcorp Genetics (formerly Invitae), Labcorp
Classification: Uncertain significance for Brugada syndrome 8. Last evaluated: 2026-01-14. Review status: criteria provided, single submitter. Criteria: Invitae Variant Classification Sherloc (09022015). Collection method: clinical testing. Allele origin: germline.
Comment: This sequence change replaces proline, which is neutral and non-polar, with leucine, which is neutral and non-polar, at codon 776 of the HCN4 protein (p.Pro776Leu). This variant is present in population databases (no rsID available, gnomAD 0.0008%). This variant has not been reported in the literature in individuals affected with HCN4-related conditions. ClinVar contains an entry for this variant (Variation ID: 573123). Invitae Evidence Modeling of protein sequence and biophysical properties (such as structural, functional, and spatial information, amino acid conservation, physicochemical variation, residue mobility, and thermodynamic stability) has been performed for this missense variant. However, the output from this modeling did not meet the statistical confidence thresholds required to predict the impact of this variant on HCN4 protein function. In summary, the available evidence is currently insufficient to determine the role of this variant in disease. Therefore, it has been classified as a Variant of Uncertain Significance.

Ambry Genetics
Classification: Uncertain significance for Cardiovascular phenotype. Last evaluated: 2025-01-10. Review status: criteria provided, single submitter. Criteria: Ambry Variant Classification Scheme 2023. Collection method: clinical testing. Allele origin: germline.
Comment: The p.P776L variant (also known as c.2327C>T), located in coding exon 8 of the HCN4 gene, results from a C to T substitution at nucleotide position 2327. The proline at codon 776 is replaced by leucine, an amino acid with similar properties. This variant was detected in a cardiomyopathy and arrhythmia genetic testing cohort; however, clinical details were limited and additional cardiac variants were detected (van Lint FHM et al. Neth Heart J, 2019 Jun;27:304-309). This amino acid position is highly conserved in available vertebrate species. In addition, the in silico prediction for this alteration is inconclusive. Based on the available evidence, the clinical significance of this variant remains unclear.

Literature cited by the submitters: PubMed 30847666 (cited by Ambry Genetics).

NM_005477.3(HCN4):c.2327C>T (p.Pro776Leu)

Gene: HCN4 (hyperpolarization activated cyclic nucleotide gated potassium channel 4; minus strand). Cytogenetic location: 15q24.1.
Variant type: single nucleotide variant.
Coding change: c.2327C>T on transcript NM_005477.3 (MANE Select); coding-DNA position 2327, C replaced by T.
Protein change: p.Pro776Leu; replaces proline 776 with leucine.
Molecular consequence: missense variant.
Genome position (GRCh38, 1-based): chr15:73,323,766, G>A on the plus strand (C>T on the coding strand, the complement: HCN4 is on the minus strand). VCF-style: chr15-73323766-G-A. GRCh37 (hg19) VCF-style: chr15-73616107-G-A.
Other names: short protein forms P776L.
Identifiers: ClinVar variation 573123 (VCV000573123.10), dbSNP rs1008825259, ClinGen allele CA272664908.
Genomic context (GRCh38, chr15:73,323,766, plus strand): 5'-GTGAGGGCTATGGCCACAGAAGTGGTGGCAGCGGCAGCCTGCAGTGGTGCCTGGATCAGC[G>A]GGGTCCAGATGACGGGCGTGGGGGTTGGGGTGGCAGAGGCAGCAGCCTGGACGCGGTGCG-3'
Protein context (NP_005468.1, residues 766-786): TPTPTPVIWT[Pro776Leu]LIQAPLQAAA